The following is an entry in ClinVar:

ClinVar aggregate classification (germline): Uncertain significance (1 of 4 stars; one submission).

Conditions:
Perlman syndrome (PRLMNS). Identifiers: Orphanet 2849, MedGen C0796113, MONDO:0009965, OMIM 267000.

Submission:

Labcorp Genetics (formerly Invitae), Labcorp
Classification: Uncertain significance for Perlman syndrome. Last evaluated: 2021-04-09. Review status: criteria provided, single submitter. Criteria: Invitae Variant Classification Sherloc (09022015). Collection method: clinical testing. Allele origin: germline.
Comment: This variant has not been reported in the literature in individuals with DIS3L2-related conditions. This variant is not present in population databases (ExAC no frequency). This sequence change replaces glutamine with histidine at codon 318 of the DIS3L2 protein (p.Gln318His). The glutamine residue is weakly conserved and there is a small physicochemical difference between glutamine and histidine. Algorithms developed to predict the effect of missense changes on protein structure and function output the following: SIFT: "Tolerated"; PolyPhen-2: "Benign"; Align-GVGD: "Class C0". The histidine amino acid residue is found in multiple mammalian species, suggesting that this missense change does not adversely affect protein function. These predictions have not been confirmed by published functional studies and their clinical significance is uncertain. In summary, the available evidence is currently insufficient to determine the role of this variant in disease. Therefore, it has been classified as a Variant of Uncertain Significance.

NM_152383.5(DIS3L2):c.954G>T (p.Gln318His)

Gene: DIS3L2 (DIS3 like 3'-5' exoribonuclease 2; plus strand). Cytogenetic location: 2q37.1.
Variant type: single nucleotide variant.
Coding change: c.954G>T on transcript NM_152383.5 (MANE Select); coding-DNA position 954, G replaced by T.
Protein change: p.Gln318His; replaces glutamine 318 with histidine.
Molecular consequence: missense variant. On other transcripts: non-coding transcript variant (2).
Genome position (GRCh38, 1-based): chr2:232,163,462, G>T. VCF-style: chr2-232163462-G-T. GRCh37 (hg19) VCF-style: chr2-233028172-G-T.
Other names: c.954G>T, p.Gln318His (NM_001257281.2); short protein forms Q318H.
Identifiers: ClinVar variation 1384175 (VCV001384175.8), dbSNP rs2106377070, ClinGen allele CA351154163.